The following is an entry in ClinVar:

NM_020937.4(FANCM):c.5104G>T (p.Asp1702Tyr)

Gene: FANCM (FA complementation group M; plus strand). Cytogenetic location: 14q21.2.
Variant type: single nucleotide variant.
Coding change: c.5104G>T on transcript NM_020937.4 (MANE Select); coding-DNA position 5104, G replaced by T.
Protein change: p.Asp1702Tyr; replaces aspartic acid 1702 with tyrosine.
Molecular consequence: missense variant.
Genome position (GRCh38, 1-based): chr14:45,189,126, G>T. VCF-style: chr14-45189126-G-T. GRCh37 (hg19) VCF-style: chr14-45658329-G-T.
Other names: c.5026G>T, p.Asp1676Tyr (NM_001308133.2); short protein forms D1702Y, D1676Y.
Identifiers: ClinVar variation 1500717 (VCV001500717.8), dbSNP rs1033212754, ClinGen allele CA389612433.

ClinVar aggregate classification (germline): Uncertain significance (1 of 4 stars; one submission).

Conditions:
Fanconi anemia (FA). Also called: Fanconi's anemia. Identifiers: Orphanet 84, MedGen C0015625, MeSH D005199, MONDO:0019391.

Submission:

Labcorp Genetics (formerly Invitae), Labcorp
Classification: Uncertain significance for Fanconi anemia. Last evaluated: 2021-01-07. Review status: criteria provided, single submitter. Criteria: Invitae Variant Classification Sherloc (09022015). Collection method: clinical testing. Allele origin: germline.
Comment: In summary, the available evidence is currently insufficient to determine the role of this variant in disease. Therefore, it has been classified as a Variant of Uncertain Significance. Algorithms developed to predict the effect of missense changes on protein structure and function are either unavailable or do not agree on the potential impact of this missense change (SIFT: "Tolerated"; PolyPhen-2: "Possibly Damaging"; Align-GVGD: "Class C0"). This variant has not been reported in the literature in individuals with FANCM-related conditions. This variant is not present in population databases (ExAC no frequency). This sequence change replaces aspartic acid with tyrosine at codon 1702 of the FANCM protein (p.Asp1702Tyr). The aspartic acid residue is weakly conserved and there is a large physicochemical difference between aspartic acid and tyrosine.